The following is an entry in ClinVar:

NM_022168.4(IFIH1):c.2920C>T (p.His974Tyr)

Gene: IFIH1 (interferon induced with helicase C domain 1; minus strand). Cytogenetic location: 2q24.2.
Variant type: single nucleotide variant.
Coding change: c.2920C>T on transcript NM_022168.4 (MANE Select); coding-DNA position 2920, C replaced by T.
Protein change: p.His974Tyr; replaces histidine 974 with tyrosine.
Molecular consequence: missense variant.
Genome position (GRCh38, 1-based): chr2:162,267,358, G>A on the plus strand (C>T on the coding strand, the complement: IFIH1 is on the minus strand). VCF-style: chr2-162267358-G-A. GRCh37 (hg19) VCF-style: chr2-163123868-G-A.
Other names: c.2920C>T, p.His974Tyr (LRG_1235t1); short protein forms H974Y.
Identifiers: ClinVar variation 626113 (VCV000626113.5), dbSNP rs748198655, ClinGen allele CA1934018.

ClinVar aggregate classification (germline): Uncertain significance. Review status: criteria provided, multiple submitters, no conflicts (2 of 4 stars). 3 submissions from 2 submitters: Uncertain significance (3). Last evaluated 2023-09-06.

Conditions:
Singleton-Merten syndrome 1 (SGMRT1). Also called: Widened medullary cavities of bone, aortic calcification, abnormal dentition, and muscular weakness; Syndrome of widened medullary cavities of the metacarpals and phalanges, aortic calcification and abnormal dentition. Identifiers: Orphanet 85191, MedGen C4225427, MONDO:0024535, OMIM 182250.
Immunodeficiency 95 (IMD95). Identifiers: MedGen C5676929, MONDO:0030692, OMIM 619773.
Aicardi-Goutieres syndrome 7 (AGS7). Identifiers: Orphanet 51, MedGen C3888244, MONDO:0014367, OMIM 615846.

Allele frequency attached by ClinVar (database versions not stated): ExAC 0.00001; gnomAD exomes 0.00001 and 0.00002.
gnomAD v4.1: 6 of 1,613,836 alleles (0.00037%); highest among the groups gnomAD compares: South Asian, 0.0055%; no homozygotes.

Submissions (3):

Labcorp Genetics (formerly Invitae), Labcorp
Classification: Uncertain significance for Aicardi-Goutieres syndrome 7; Singleton-Merten syndrome 1. Last evaluated: 2023-09-06. Review status: criteria provided, single submitter. Criteria: Invitae Variant Classification Sherloc (09022015). Collection method: clinical testing. Allele origin: germline.
Comment: In summary, the available evidence is currently insufficient to determine the role of this variant in disease. Therefore, it has been classified as a Variant of Uncertain Significance. Advanced modeling of protein sequence and biophysical properties (such as structural, functional, and spatial information, amino acid conservation, physicochemical variation, residue mobility, and thermodynamic stability) has been performed at Invitae for this missense variant, however the output from this modeling did not meet the statistical confidence thresholds required to predict the impact of this variant on IFIH1 protein function. ClinVar contains an entry for this variant (Variation ID: 626113). This variant has not been reported in the literature in individuals affected with IFIH1-related conditions. This variant is present in population databases (rs748198655, gnomAD 0.01%). This sequence change replaces histidine, which is basic and polar, with tyrosine, which is neutral and polar, at codon 974 of the IFIH1 protein (p.His974Tyr).

Center for Genomics, Ann and Robert H. Lurie Children's Hospital of Chicago
Classification: Uncertain significance for Immunodeficiency 95; Aicardi-Goutieres syndrome 7; Singleton-Merten syndrome 1. Last evaluated: 2021-03-30. Review status: criteria provided, single submitter. Criteria: ACMG Guidelines, 2015. Collection method: clinical testing. Allele origin: germline.
Comment: IFIH1 NM_022168.3 exon 16 p.His974Tyr (c.2920C>T): This variant has not been reported in the literature but is present in 3/30642 South Asian alleles in the Genome Aggregation Database. This variant amino acid Tyrosine (Tyr) is present in >10 species; this suggests that this variant may not impact the protein. Additional computational prediction tools do not suggest an impact. In summary, data on this variant is insufficient for disease classification. Therefore, the clinical significance of this variant is uncertain.

Center for Genomics, Ann and Robert H. Lurie Children's Hospital of Chicago
Classification: Uncertain significance for Aicardi-Goutieres syndrome 7; Singleton-Merten syndrome 1. Last evaluated: 2018-01-26. Review status: criteria provided, single submitter. Criteria: ACMG Guidelines, 2015. Collection method: clinical testing. Allele origin: germline.
Comment: the same text as in the submission from Center for Genomics, Ann and Robert H. Lurie Children's Hospital of Chicago above.